The following is an entry in ClinVar:

ClinVar aggregate classification (germline): Likely pathogenic (1 of 4 stars; one submission).

Conditions:
Primary ciliary dyskinesia. Also called: Ciliary dyskinesia. Identifiers: Orphanet 244, MedGen C0008780, MONDO:0016575, HP:0012265.

gnomAD v4.1: 1 of 1,613,492 alleles (0.000062%); highest among the groups gnomAD compares: South Asian, 0.0011%; no homozygotes.

Submission:

Labcorp Genetics (formerly Invitae), Labcorp
Classification: Likely pathogenic for Primary ciliary dyskinesia. Last evaluated: 2017-09-15. Review status: criteria provided, single submitter. Criteria: Invitae Variant Classification Sherloc (09022015). Collection method: clinical testing. Allele origin: germline.
Comment: This sequence change affects a donor splice site in intron 13 of the CCDC40 gene. It is expected to disrupt RNA splicing and likely results in an absent or disrupted protein product. This variant is not present in population databases (ExAC no frequency). This variant has not been reported in the literature in individuals with CCDC40-related disease. Donor and acceptor splice site variants typically lead to a loss of protein function (PMID: 16199547), and loss-of-function variants in CCDC40 are known to be pathogenic (PMID: 21131974, 22693285, 23255504). In summary, the currently available evidence indicates that the variant is pathogenic, but additional data are needed to prove that conclusively. Therefore, this variant has been classified as Likely Pathogenic.

Literature cited by the submitters: PubMed 16199547; PubMed 21131974; PubMed 22693285; PubMed 23255504.

NM_017950.4(CCDC40):c.2235+1G>T

Gene: CCDC40 (coiled-coil domain 40 molecular ruler complex subunit; plus strand). Cytogenetic location: 17q25.3.
Variant type: single nucleotide variant.
Coding change: c.2235+1G>T on transcript NM_017950.4 (MANE Select); the canonical splice donor site of the intron after coding-DNA position 2235, G replaced by T.
Molecular consequence: splice donor variant.
Genome position (GRCh38, 1-based): chr17:80,084,989, G>T. VCF-style: chr17-80084989-G-T. GRCh37 (hg19) VCF-style: chr17-78058788-G-T.
Other names: c.2235+1G>T (NM_001243342.2).
Identifiers: ClinVar variation 570336 (VCV000570336.2), dbSNP rs1568709952, ClinGen allele CA401344394.